The following is an entry in ClinVar:

ClinVar aggregate classification (germline): Uncertain significance (1 of 4 stars; one submission).

Submission:

Labcorp Genetics (formerly Invitae), Labcorp
Classification: Uncertain significance. Last evaluated: 2021-12-21. Review status: criteria provided, single submitter. Criteria: Invitae Variant Classification Sherloc (09022015). Collection method: clinical testing. Allele origin: germline.
Comment: This variant is not present in population databases (gnomAD no frequency). This sequence change replaces aspartic acid, which is acidic and polar, with glycine, which is neutral and non-polar, at codon 91 of the IMPG1 protein (p.Asp91Gly). This variant has not been reported in the literature in individuals affected with IMPG1-related conditions. In summary, the available evidence is currently insufficient to determine the role of this variant in disease. Therefore, it has been classified as a Variant of Uncertain Significance. Algorithms developed to predict the effect of missense changes on protein structure and function (SIFT, PolyPhen-2, Align-GVGD) all suggest that this variant is likely to be tolerated.

NM_001563.4(IMPG1):c.272A>G (p.Asp91Gly)

Gene: IMPG1 (interphotoreceptor matrix proteoglycan 1; minus strand). Cytogenetic location: 6q14.1.
Variant type: single nucleotide variant.
Coding change: c.272A>G on transcript NM_001563.4 (MANE Select); coding-DNA position 272, A replaced by G.
Protein change: p.Asp91Gly; replaces aspartic acid 91 with glycine.
Molecular consequence: missense variant. On other transcripts: intron variant (1).
Genome position (GRCh38, 1-based): chr6:76,041,922, T>C on the plus strand (A>G on the coding strand, the complement: IMPG1 is on the minus strand). VCF-style: chr6-76041922-T-C. GRCh37 (hg19) VCF-style: chr6-76751639-T-C.
Other names: c.68-7135A>G (NM_001282368.2); short protein forms D91G.
Identifiers: ClinVar variation 2051819 (VCV002051819.4), dbSNP rs1783849494, ClinGen allele CA364829592.
Genomic context (GRCh38, chr6:76,041,922, plus strand): 5'-CAAGGCTAAACGGTTTCATCTCTTTCCTTACCTCTCAATCTATAATAAGCTTGAAGACTG[T>C]CTAAAATCTGTTTCATGGATTCCTGTGGACAGACTTTAACCCCCGTTGGGAAAAATGCGG-3'
Protein context (NP_001554.2, residues 81-101): CPQESMKQIL[Asp91Gly]SLQAYYRLRV